The following is an entry in ClinVar:

ClinVar aggregate classification (germline): Uncertain significance. Review status: criteria provided, multiple submitters, no conflicts (2 of 4 stars). 2 submissions from 2 submitters: Uncertain significance (2). Last evaluated 2024-01-25.

Conditions:
Early-onset Parkinson disease 20. Also called: PARKINSON DISEASE 20, AUTOSOMAL RECESSIVE EARLY-ONSET. Identifiers: Orphanet 391411, MedGen C3809824, MONDO:0014233, OMIM 615530.
Developmental and epileptic encephalopathy, 53. Also called: Epileptic encephalopathy, early infantile, 53. Identifiers: MedGen C4479313, MONDO:0033362, OMIM 617389.

Allele frequency attached by ClinVar (database versions not stated): gnomAD exomes 0.00002 and 0.00006; ExAC 0.00011; ESP Exome Variant Server 0.00015; gnomAD 0.00019 and 0.00021; TOPMed 0.00021; 1000 Genomes Project 0.00040; 1000 Genomes Project 30x 0.00047.
gnomAD v4.1: 75 of 1,611,810 alleles (0.0047%); highest among the groups gnomAD compares: African/African-American, 0.08%; no homozygotes.

Submissions (2):

Labcorp Genetics (formerly Invitae), Labcorp
Classification: Uncertain significance for Developmental and epileptic encephalopathy, 53; Early-onset Parkinson disease 20. Last evaluated: 2024-01-25. Review status: criteria provided, single submitter. Criteria: Invitae Variant Classification Sherloc (09022015). Collection method: clinical testing. Allele origin: germline.
Comment: This sequence change replaces alanine, which is neutral and non-polar, with proline, which is neutral and non-polar, at codon 1233 of the SYNJ1 protein (p.Ala1233Pro). This variant is present in population databases (rs77164494, gnomAD 0.07%). This variant has not been reported in the literature in individuals affected with SYNJ1-related conditions. ClinVar contains an entry for this variant (Variation ID: 544569). Advanced modeling of protein sequence and biophysical properties (such as structural, functional, and spatial information, amino acid conservation, physicochemical variation, residue mobility, and thermodynamic stability) performed at Invitae indicates that this missense variant is not expected to disrupt SYNJ1 protein function with a negative predictive value of 80%. In summary, the available evidence is currently insufficient to determine the role of this variant in disease. Therefore, it has been classified as a Variant of Uncertain Significance.

Women's Health and Genetics/Laboratory Corporation of America, LabCorp
Classification: Uncertain significance. Last evaluated: 2023-01-12. Review status: criteria provided, single submitter. Criteria: LabCorp Variant Classification Summary - May 2015. Collection method: clinical testing. Allele origin: germline.
Comment: Variant summary: SYNJ1 c.3697G>C (p.Ala1233Pro) results in a non-conservative amino acid change in the encoded protein sequence. Four of five in-silico tools predict a benign effect of the variant on protein function. The variant allele was found at a frequency of 6e-05 in 248444 control chromosomes (gnomAD). To our knowledge, no occurrence of c.3697G>C in individuals affected with SYNJ1-Related Disorders and no experimental evidence demonstrating its impact on protein function have been reported. One clinical diagnostic laboratory has submitted clinical-significance assessments for this variant to ClinVar after 2014 without evidence for independent evaluation. One laboratory classified the variant as uncertain significance. Based on the evidence outlined above, the variant was classified as uncertain significance.

NM_203446.3(SYNJ1):c.3580G>C (p.Ala1194Pro)

Gene: SYNJ1 (synaptojanin 1; minus strand). Cytogenetic location: 21q22.11.
Variant type: single nucleotide variant.
Coding change: c.3580G>C on transcript NM_203446.3 (MANE Select); coding-DNA position 3580, G replaced by C.
Protein change: p.Ala1194Pro; replaces alanine 1194 with proline.
Molecular consequence: missense variant.
Genome position (GRCh38, 1-based): chr21:32,641,904, C>G on the plus strand (G>C on the coding strand, the complement: SYNJ1 is on the minus strand). VCF-style: chr21-32641904-C-G. GRCh37 (hg19) VCF-style: chr21-34014214-C-G.
Other names: c.3532G>C, p.Ala1178Pro (NM_001160302.2); c.3439G>C, p.Ala1147Pro (NM_001160306.2); c.3697G>C, p.Ala1233Pro (NM_003895.4); short protein forms A1233P, A1178P, A1147P, A1194P.
Identifiers: ClinVar variation 544569 (VCV000544569.10), dbSNP rs77164494, ClinGen allele CA10003340.
Genomic context (GRCh38, chr21:32,641,904, plus strand): 5'-TAAACAGGACTTAGAACCGAGACCCCTTGGCCCCAGGCGAGGTTTTACCTACCGGTCTGG[C>G]TGTACTGTATCCAGCAGGTCCTGGGCCTGCAAGTCCTGCTTGAGGTGAAGGCTGACTGCG-3'
Protein context (NP_982271.3, residues 1184-1204): AGPGPAGYST[Ala1194Pro]RPTIPPRAGV